The following is an entry in ClinVar:

NM_001184880.2(PCDH19):c.986_987del (p.His329fs)

Gene: PCDH19 (protocadherin 19; minus strand). Cytogenetic location: Xq22.1.
Variant type: Microsatellite.
Coding change: c.986_987del on transcript NM_001184880.2 (MANE Select); coding-DNA positions 986 to 987, 2 bases deleted (AC; older notation c.986_987delAC).
Protein change: p.His329fs; shifts the reading frame from histidine 329.
Molecular consequence: frameshift variant.
Genome position (GRCh38, 1-based): chrX:100,407,611-100,407,612, GT deleted on the plus strand (AC on the coding strand, the reverse complement: PCDH19 is on the minus strand); deleting any 2 consecutive bases within chrX:100,407,611-100,407,615 gives the same sequence; the c. name uses the placement nearest the transcript's 3' end. VCF-style (leftmost placement, unchanged base first): chrX-100407610-AGT-A. GRCh37 (hg19) VCF-style: chrX-99662608-AGT-A.
Other names: c.986_987del, p.His329fs (NM_001105243.2, NM_020766.3); c.986_987delAC (NM_001184880.2); short protein forms H329fs.
Identifiers: ClinVar variation 3063707 (VCV003063707.1), dbSNP rs2520987307, ClinGen allele CA2740092246.
Genomic context (GRCh38, chrX:100,407,610, plus strand): 5'-ACAGCAGGTTGATGACCGGCGGATTGTCATTGGTGTCCAGCACGCTGACGGTGACCTTGC[AGT>A]GTGCCGGGATGGAATTGGGCCCCAAGTCCTTAGCCTGCACGTCCAGTTCGTACACGTGCC-3'

ClinVar aggregate classification (germline): Pathogenic (1 of 4 stars; one submission).

Conditions:
Developmental and epileptic encephalopathy, 9 (DEE9). Also called: PCDH19-Related X-Linked Female-Limited Epilepsy with Mental Retardation; EPILEPSY, FEMALE-RESTRICTED, WITH MENTAL RETARDATION; JUBERG-HELLMAN SYNDROME; Early infantile epileptic encephalopathy 9. Identifiers: Orphanet 101039, Orphanet 2076, MedGen C1848137, MONDO:0010246, OMIM 300088. Disease mechanism: loss of function.

Submission:

Women's Health and Genetics/Laboratory Corporation of America, LabCorp
Classification: Pathogenic for Developmental and epileptic encephalopathy, 9. Last evaluated: 2024-01-30. Review status: criteria provided, single submitter. Criteria: LabCorp Variant Classification Summary - May 2015. Collection method: clinical testing. Allele origin: germline.
Comment: Variant summary: PCDH19 c.986_987delAC (p.His329LeufsX12) results in a premature termination codon, predicted to cause a truncation of the encoded protein or absence of the protein due to nonsense mediated decay, which are commonly known mechanisms for disease. The variant was absent in 181464 control chromosomes. To our knowledge, no occurrence of c.986_987delAC in individuals affected with Developmental And Epileptic Encephalopathy, 9 and no experimental evidence demonstrating its impact on protein function have been reported. No submitters have cited clinical-significance assessments for this variant to ClinVar. Based on the evidence outlined above, the variant was classified as pathogenic.